The following is an entry in ClinVar:

NM_012203.2(GRHPR):c.742G>A (p.Val248Ile)

Gene: GRHPR (glyoxylate and hydroxypyruvate reductase; plus strand). Cytogenetic location: 9p13.2.
Variant type: single nucleotide variant.
Coding change: c.742G>A on transcript NM_012203.2 (MANE Select); coding-DNA position 742, G replaced by A.
Protein change: p.Val248Ile; replaces valine 248 with isoleucine.
Molecular consequence: missense variant.
Genome position (GRCh38, 1-based): chr9:37,432,015, G>A. VCF-style: chr9-37432015-G-A. GRCh37 (hg19) VCF-style: chr9-37432012-G-A.
Other names: short protein forms V248I.
Identifiers: ClinVar variation 969060 (VCV000969060.6), dbSNP rs369950120, ClinGen allele CA5059254.

ClinVar aggregate classification (germline): Conflicting classifications of pathogenicity. Review status: criteria provided, conflicting classifications (1 of 4 stars). 4 submissions from 4 submitters: Likely pathogenic (1); Uncertain significance (2). 1 of the submissions does not count toward it. Last evaluated 2023-10-27.

Conditions:
Primary hyperoxaluria, type II (HP2). Also called: Primary hyperoxaluria type 2; D-GLYCERATE DEHYDROGENASE DEFICIENCY; GLYCERIC ACIDURIA; GLYOXYLATE REDUCTASE/HYDROXYPYRUVATE REDUCTASE DEFICIENCY; OXALOSIS II. Identifiers: Orphanet 416, Orphanet 93599, MedGen C0268165, MONDO:0009824, OMIM 260000. Disease mechanism: loss of function.

Allele frequency attached by ClinVar (database versions not stated): ExAC 0.00002; gnomAD exomes 0.00005 and 0.00007; ESP Exome Variant Server 0.00008; gnomAD 0.00009 and 0.00011; TOPMed 0.00011.
gnomAD v4.1: 113 of 1,613,976 alleles (0.007%); highest among the groups gnomAD compares: Admixed American, 0.023%; no homozygotes.

Submissions (4):

Clinical Biochemistry Laboratory, Health Services Laboratory
Classification: Likely pathogenic for Primary hyperoxaluria, type II. Last evaluated: 2023-10-27. Review status: criteria provided, single submitter. Criteria: ACMG Guidelines, 2015. Collection method: curation. Allele origin: germline. Affected: yes.
Comment: ACMG: PM1 PM2 PM5 'Likely pathogenic'

Fulgent Genetics
Classification: Uncertain significance for Primary hyperoxaluria, type II. Last evaluated: 2021-12-08. Review status: criteria provided, single submitter. Criteria: ACMG Guidelines, 2015. Collection method: clinical testing. Allele origin: unknown.

Labcorp Genetics (formerly Invitae), Labcorp
Classification: Uncertain significance. Last evaluated: 2021-09-01. Review status: criteria provided, single submitter. Criteria: Invitae Variant Classification Sherloc (09022015). Collection method: clinical testing. Allele origin: germline.
Comment: This sequence change replaces valine with isoleucine at codon 248 of the GRHPR protein (p.Val248Ile). The valine residue is highly conserved and there is a small physicochemical difference between valine and isoleucine. This variant is present in population databases (rs369950120, ExAC 0.01%). This variant has not been reported in the literature in individuals affected with GRHPR-related conditions. Algorithms developed to predict the effect of missense changes on protein structure and function (SIFT, PolyPhen-2, Align-GVGD) all suggest that this variant is likely to be tolerated. In summary, the available evidence is currently insufficient to determine the role of this variant in disease. Therefore, it has been classified as a Variant of Uncertain Significance.

Natera, Inc.
Classification: Uncertain significance for Primary hyperoxaluria type II. Last evaluated: 2020-02-26. Review status: no assertion criteria provided. Collection method: clinical testing. Allele origin: germline. Not counted in ClinVar's aggregate classification.